The following is an entry in ClinVar:

ClinVar aggregate classification (germline): Pathogenic (1 of 4 stars; one submission).

Conditions:
Retinoblastoma (RB1). Also called: RETINOBLASTOMA, SOMATIC. Identifiers: Orphanet 790, MedGen C0035335, MeSH D012175, MONDO:0008380, OMIM 180200, HP:0009919. Disease mechanism: loss of function. Inheritance: Both sporadic and heritable forms are tested..

Submission:

Genetic Diagnostic Laboratory, University of Pennsylvania School of Medicine
Classification: Pathogenic for Retinoblastoma. Last evaluated: 2024-05-20. Review status: criteria provided, single submitter. Criteria: ACMG Guidelines, 2015. Collection method: clinical testing. Allele origin: germline. Affected: yes. Observed: 1 variant allele.
Comment: Case and Pedigree Information: BILATERAL CASES:1, UNILATERAL CASES:0, TOTAL CASES:1, PEDIGREES:1. ACMG Codes Applied:PVS1, PM2

NM_000321.3(RB1):c.2371_2392dup (p.Arg798delinsGlnValSerTer)

Gene: RB1 (RB transcriptional corepressor 1; plus strand). Cytogenetic location: 13q14.2.
Variant type: Duplication.
Coding change: c.2371_2392dup on transcript NM_000321.3 (MANE Select); coding-DNA positions 2371 to 2392, 22 bases duplicated (AAGTTTCCTAGTTCACCCTTAC).
Protein change: p.Arg798delinsGlnValSerTer.
Molecular consequence: nonsense.
Genome position (GRCh38, 1-based): chr13:48,465,250-48,465,271, AAGTTTCCTAGTTCACCCTTAC duplicated; duplicating any 22 consecutive bases within chr13:48,465,243-48,465,271 gives the same sequence; the c. name uses the placement nearest the transcript's 3' end. VCF-style (leftmost placement, unchanged base first): chr13-48465242-G-GCCCTTACAAGTTTCCTAGTTCA. GRCh37 (hg19) VCF-style: chr13-49039378-G-GCCCTTACAAGTTTCCTAGTTCA.
Other names: c.2371_2392dup, p.Arg798delinsGlnValSerTer (NM_001407165.1).
Identifiers: ClinVar variation 3237088 (VCV003237088.1), dbSNP rs2542375766.